The following is an entry in ClinVar:

NM_032043.3(BRIP1):c.3199T>A (p.Cys1067Ser)

Gene: BRIP1 (BRCA1 interacting DNA helicase 1; minus strand). Cytogenetic location: 17q23.2.
Variant type: single nucleotide variant.
Coding change: c.3199T>A on transcript NM_032043.3 (MANE Select); coding-DNA position 3199, T replaced by A.
Protein change: p.Cys1067Ser; replaces cysteine 1067 with serine.
Molecular consequence: missense variant.
Genome position (GRCh38, 1-based): chr17:61,683,847, A>T on the plus strand (T>A on the coding strand, the complement: BRIP1 is on the minus strand). VCF-style: chr17-61683847-A-T. GRCh37 (hg19) VCF-style: chr17-59761208-A-T.
Other names: short protein forms C1067S.
Identifiers: ClinVar variation 241652 (VCV000241652.11), dbSNP rs878855153, ClinGen allele CA10583614.

ClinVar aggregate classification (germline): Uncertain significance. Review status: criteria provided, multiple submitters, no conflicts (2 of 4 stars). 3 submissions from 3 submitters: Uncertain significance (3). Last evaluated 2023-12-28.

Conditions:
Breast and/or ovarian cancer. Identifiers: MedGen CN221562.
Hereditary cancer-predisposing syndrome. Also called: Neoplastic Syndromes, Hereditary; Tumor predisposition; Hereditary neoplastic syndrome; Hereditary Cancer Syndrome. Identifiers: Orphanet 140162, MedGen C0027672, MeSH D009386, MONDO:0015356.
Familial cancer of breast. Also called: BREAST CANCER, FAMILIAL; Hereditary breast cancer; hereditary breast carcinoma. Identifiers: Orphanet 227535, MedGen C0346153, MONDO:0016419, OMIM 114480. Disease mechanism: loss of function.
Fanconi anemia complementation group J. Also called: BRIP1-Related Fanconi Anemia. Identifiers: Orphanet 84, MedGen C1836860, MONDO:0012187, OMIM 609054.

Allele frequency attached by ClinVar (database versions not stated): gnomAD exomes 0.00001.
gnomAD v4.1: 31 of 1,614,190 alleles (0.0019%); highest among the groups gnomAD compares: Non-Finnish European, 0.0026%; no homozygotes.

Submissions (3):

Ambry Genetics
Classification: Uncertain significance for Hereditary cancer-predisposing syndrome. Last evaluated: 2023-12-28. Review status: criteria provided, single submitter. Criteria: Ambry Variant Classification Scheme 2023. Collection method: clinical testing. Allele origin: germline.

Labcorp Genetics (formerly Invitae), Labcorp
Classification: Uncertain significance for Familial cancer of breast; Fanconi anemia complementation group J. Last evaluated: 2021-08-28. Review status: criteria provided, single submitter. Criteria: Invitae Variant Classification Sherloc (09022015). Collection method: clinical testing. Allele origin: germline.
Comment: This sequence change replaces cysteine with serine at codon 1067 of the BRIP1 protein (p.Cys1067Ser). The cysteine residue is weakly conserved and there is a moderate physicochemical difference between cysteine and serine. This variant is not present in population databases (ExAC no frequency). This variant has not been reported in the literature in individuals affected with BRIP1-related conditions. Algorithms developed to predict the effect of missense changes on protein structure and function (SIFT, PolyPhen-2, Align-GVGD) all suggest that this variant is likely to be tolerated. In summary, the available evidence is currently insufficient to determine the role of this variant in disease. Therefore, it has been classified as a Variant of Uncertain Significance.

CHEO Genetics Diagnostic Laboratory, Children's Hospital of Eastern Ontario
Classification: Uncertain significance for Breast and/or ovarian cancer. Last evaluated: 2020-03-25. Review status: criteria provided, single submitter. Criteria: ACMG Guidelines, 2015. Collection method: clinical testing. Allele origin: germline.